The following is an entry in ClinVar:

NM_000925.3(PDHB):c.-26G>A

Gene: PDHB (pyruvate dehydrogenase E1 subunit beta; minus strand). Cytogenetic location: 3p14.3.
Variant type: single nucleotide variant.
Coding change: c.-26G>A on transcript NM_000925.3; 26 bases upstream of the start codon, G replaced by A.
Genome position (GRCh38, 1-based): chr3:58,433,835, C>T on the plus strand (G>A on the coding strand, the complement: PDHB is on the minus strand). VCF-style: chr3-58433835-C-T. GRCh37 (hg19) VCF-style: chr3-58419562-C-T.
Identifiers: ClinVar variation 138653 (VCV000138653.8), dbSNP rs201243189, ClinGen allele CA292732.

ClinVar aggregate classification (germline): Benign. Review status: criteria provided, multiple submitters, no conflicts (2 of 4 stars). 3 submissions from 3 submitters: Benign (3). Last evaluated 2018-01-13.

Conditions:
Pyruvate dehydrogenase E1-beta deficiency (PDHBD). Identifiers: Orphanet 255138, Orphanet 765, MedGen C3279841, MONDO:0013580, OMIM 614111.

Allele frequency attached by ClinVar (database versions not stated): TOPMed 0.00645; gnomAD exomes 0.00142; 1000 Genomes Project 0.00519; gnomAD 0.00601 and 0.00640; ESP Exome Variant Server 0.00704; ExAC 0.00191; 1000 Genomes Project 30x 0.00515.

Submissions (3):

Illumina Laboratory Services, Illumina
Classification: Benign for Pyruvate dehydrogenase E1-beta deficiency. Last evaluated: 2018-01-13. Review status: criteria provided, single submitter. Criteria: ICSL Variant Classification Criteria 13 December 2019. Collection method: clinical testing. Allele origin: germline.
Comment: This variant was observed in the ICSL laboratory as part of a predisposition screen in an ostensibly healthy population. It had not been previously curated by ICSL or reported in the Human Gene Mutation Database (HGMD: prior to June 1st, 2018), and was therefore a candidate for classification through an automated scoring system. Utilizing variant allele frequency, disease prevalence and penetrance estimates, and inheritance mode, an automated score was calculated to assess if this variant is too frequent to cause the disease. Based on the score and internal cut-off values, a variant classified as benign is not then subjected to further curation. The score for this variant resulted in a classification of benign for this disease.

GeneDx
Classification: Benign. Last evaluated: 2014-04-02. Review status: criteria provided, single submitter. Criteria: GeneDx Variant Classification (06012015). Collection method: clinical testing. Allele origin: germline. Affected: yes.
Comment: This variant is considered likely benign or benign based on one or more of the following criteria: it is a conservative change, it occurs at a poorly conserved position in the protein, it is predicted to be benign by multiple in silico algorithms, and/or has population frequency not consistent with disease.

Breakthrough Genomics
Classification: Benign. Review status: criteria provided, single submitter. Criteria: ACMG Guidelines, 2015. Collection method: not provided. Allele origin: germline. Inheritance: Autosomal recessive inheritance. Affected: yes.